The following is an entry in ClinVar:

ClinVar aggregate classification (germline): Uncertain significance (1 of 4 stars; one submission).

Conditions:
Hereditary cancer-predisposing syndrome. Also called: Neoplastic Syndromes, Hereditary; Tumor predisposition; Hereditary neoplastic syndrome; Hereditary Cancer Syndrome. Identifiers: Orphanet 140162, MedGen C0027672, MeSH D009386, MONDO:0015356.
Cardiovascular phenotype. Identifiers: MedGen CN230736.

Submission:

Ambry Genetics
Classification: Uncertain significance for Cardiovascular phenotype; Hereditary cancer-predisposing syndrome. Last evaluated: 2023-11-02. Review status: criteria provided, single submitter. Criteria: Ambry Variant Classification Scheme 2023. Collection method: clinical testing. Allele origin: germline.
Comment: The p.E454A variant (also known as c.1361A>C), located in coding exon 13 of the LZTR1 gene, results from an A to C substitution at nucleotide position 1361. The glutamic acid at codon 454 is replaced by alanine, an amino acid with dissimilar properties. This amino acid position is conserved. In addition, this alteration is predicted to be tolerated by in silico analysis. Since supporting evidence is limited at this time, the clinical significance of this alteration remains unclear.

NM_006767.4(LZTR1):c.1361A>C (p.Glu454Ala)

Gene: LZTR1 (leucine zipper like post translational regulator 1; plus strand). Cytogenetic location: 22q11.21.
Variant type: single nucleotide variant.
Coding change: c.1361A>C on transcript NM_006767.4 (MANE Select); coding-DNA position 1361, A replaced by C.
Protein change: p.Glu454Ala; replaces glutamic acid 454 with alanine.
Molecular consequence: missense variant.
Genome position (GRCh38, 1-based): chr22:20,993,931, A>C. VCF-style: chr22-20993931-A-C. GRCh37 (hg19) VCF-style: chr22-21348220-A-C.
Other names: short protein forms E454A.
Identifiers: ClinVar variation 3238067 (VCV003238067.1), dbSNP rs2518620373.